The following is an entry in ClinVar:

NM_000256.3(MYBPC3):c.2436_2437delinsTT (p.Lys812_Lys813delinsAsnTer)

Gene: MYBPC3 (myosin binding protein C3; minus strand). Cytogenetic location: 11p11.2.
Variant type: Indel.
Coding change: c.2436_2437delinsTT on transcript NM_000256.3 (MANE Select); coding-DNA positions 2436 to 2437, GA replaced by TT.
Protein change: p.Lys812_Lys813delinsAsnTer.
Molecular consequence: nonsense.
Genome position (GRCh38, 1-based): chr11:47,337,556-47,337,557, TC replaced by AA on the plus strand (GA replaced by TT on the coding strand, the reverse complement: MYBPC3 is on the minus strand). VCF-style: chr11-47337556-TC-AA. GRCh37 (hg19) VCF-style: chr11-47359107-TC-AA.
Identifiers: ClinVar variation 2837371 (VCV002837371.3), dbSNP rs2495749896, ClinGen allele CA2739270434.
Genomic context (GRCh38, chr11:47,337,556, plus strand): 5'-CTTCATGACTCAGCTCCTGAATCAGGTCGAAGTTCAGCCGCATCCACCGGTAGCTCTTCT[TC>AA]TTCTTGCGCTCCAGGATGTAGCCTGGCTCAGGGGAGGTGGCAGCTCTGGTCTGGAACCCA-3'

ClinVar aggregate classification (germline): Pathogenic (1 of 4 stars; one submission).

Conditions:
Hypertrophic cardiomyopathy. Also called: HYPERTROPHIC MYOCARDIOPATHY. Identifiers: Orphanet 217569, MedGen C0007194, MeSH D002312, MONDO:0005045, HP:0001639.

Submission:

Labcorp Genetics (formerly Invitae), Labcorp
Classification: Pathogenic for Hypertrophic cardiomyopathy. Last evaluated: 2023-02-14. Review status: criteria provided, single submitter. Criteria: Invitae Variant Classification Sherloc (09022015). Collection method: clinical testing. Allele origin: germline.
Comment: This sequence change creates a premature translational stop signal (p.Lys812_Lys813delinsAsn*) in the MYBPC3 gene. It is expected to result in an absent or disrupted protein product. Loss-of-function variants in MYBPC3 are known to be pathogenic (PMID: 19574547). Information on the frequency of this variant in the gnomAD database is not available, as this variant may be reported differently in the database. This variant has not been reported in the literature in individuals affected with MYBPC3-related conditions. For these reasons, this variant has been classified as Pathogenic.

Literature cited by the submitters: PubMed 19574547.